The following is an entry in ClinVar:

ClinVar aggregate classification (germline): Likely benign (0 of 4 stars; one submission).

Conditions:
NUP188-related disorder. Also called: NUP188-related condition.

Allele frequency attached by ClinVar (database versions not stated): TOPMed 0.00004; gnomAD exomes 0.00006; gnomAD 0.00009; ExAC 0.00014; 1000 Genomes Project 30x 0.00047; 1000 Genomes Project 0.00060.

Submission:

PreventionGenetics, part of Exact Sciences
Classification: Likely benign for NUP188-related condition. Last evaluated: 2019-08-16. Review status: no assertion criteria provided. Collection method: clinical testing. Allele origin: germline.
Comment: This variant is classified as likely benign based on ACMG/AMP sequence variant interpretation guidelines (Richards et al. 2015 PMID: 25741868, with internal and published modifications).

NM_015354.3(NUP188):c.4125C>T (p.Asn1375=)

Gene: NUP188 (nucleoporin 188; plus strand). Cytogenetic location: 9q34.11.
Variant type: single nucleotide variant.
Coding change: c.4125C>T on transcript NM_015354.3 (MANE Select); coding-DNA position 4125, C replaced by T.
Protein change: p.Asn1375=; no amino-acid change (asparagine 1375 retained).
Molecular consequence: synonymous variant.
Genome position (GRCh38, 1-based): chr9:129,001,964, C>T. VCF-style: chr9-129001964-C-T. GRCh37 (hg19) VCF-style: chr9-131764243-C-T.
Identifiers: ClinVar variation 3053658 (VCV003053658.2), dbSNP rs577666053, ClinGen allele CA5273206.